The following is an entry in ClinVar:

ClinVar aggregate classification (germline): Uncertain significance. Review status: criteria provided, multiple submitters, no conflicts (2 of 4 stars). 2 submissions from 2 submitters: Uncertain significance (2). Last evaluated 2024-12-20.

Conditions:
Hereditary cancer-predisposing syndrome. Also called: Neoplastic Syndromes, Hereditary; Hereditary neoplastic syndrome; Tumor predisposition; Hereditary Cancer Syndrome. Identifiers: Orphanet 140162, MedGen C0027672, MeSH D009386, MONDO:0015356.
Cardiovascular phenotype. Identifiers: MedGen CN230736.
Neurofibromatosis, type 1 (NF1). Also called: Peripheral type neurofibromatosis; VON RECKLINGHAUSEN DISEASE; Neurofibromatosis, type I; NEUROFIBROMATOSIS, TYPE I, SOMATIC. Identifiers: Orphanet 636, MedGen C0027831, MONDO:0018975, OMIM 162200. Disease mechanism: loss of function.

Submissions (2):

Ambry Genetics
Classification: Uncertain significance for Cardiovascular phenotype; Hereditary cancer-predisposing syndrome. Last evaluated: 2024-12-20. Review status: criteria provided, single submitter. Criteria: Ambry Variant Classification Scheme 2023. Collection method: clinical testing. Allele origin: germline.
Comment: The p.K2712T variant (also known as c.8135A>C), located in coding exon 56 of the NF1 gene, results from an A to C substitution at nucleotide position 8135. The lysine at codon 2712 is replaced by threonine, an amino acid with similar properties. This amino acid position is conserved. In addition, the in silico prediction for this alteration is inconclusive. Based on the available evidence, the clinical significance of this variant remains unclear.

Labcorp Genetics (formerly Invitae), Labcorp
Classification: Uncertain significance for Neurofibromatosis, type 1. Last evaluated: 2019-11-22. Review status: criteria provided, single submitter. Criteria: Invitae Variant Classification Sherloc (09022015). Collection method: clinical testing. Allele origin: germline.
Comment: This variant has not been reported in the literature in individuals with NF1-related conditions. This variant is not present in population databases (ExAC no frequency). This sequence change replaces lysine with threonine at codon 2712 of the NF1 protein (p.Lys2712Thr). The lysine residue is moderately conserved and there is a moderate physicochemical difference between lysine and threonine. Algorithms developed to predict the effect of missense changes on protein structure and function are either unavailable or do not agree on the potential impact of this missense change (SIFT: "Deleterious"; PolyPhen-2: "Probably Damaging"; Align-GVGD: "Class C0"). In summary, the available evidence is currently insufficient to determine the role of this variant in disease. Therefore, it has been classified as a Variant of Uncertain Significance.

NM_001042492.3(NF1):c.8198A>C (p.Lys2733Thr)

Gene: NF1 (neurofibromin 1; plus strand). Cytogenetic location: 17q11.2.
Variant type: single nucleotide variant.
Coding change: c.8198A>C on transcript NM_001042492.3 (MANE Select); coding-DNA position 8198, A replaced by C.
Protein change: p.Lys2733Thr; replaces lysine 2733 with threonine.
Molecular consequence: missense variant.
Genome position (GRCh38, 1-based): chr17:31,360,524, A>C. VCF-style: chr17-31360524-A-C. GRCh37 (hg19) VCF-style: chr17-29687542-A-C.
Other names: c.8135A>C, p.Lys2712Thr (NM_000267.4); short protein forms K2712T, K2733T.
Identifiers: ClinVar variation 839956 (VCV000839956.7), dbSNP rs2070373730, ClinGen allele CA399204481.